The following is an entry in ClinVar:

NM_001211.6(BUB1B):c.922C>G (p.Leu308Val)

Gene: BUB1B (BUB1 mitotic checkpoint serine/threonine kinase B; plus strand). Cytogenetic location: 15q15.1.
Variant type: single nucleotide variant.
Coding change: c.922C>G on transcript NM_001211.6 (MANE Select); coding-DNA position 922, C replaced by G.
Protein change: p.Leu308Val; replaces leucine 308 with valine.
Molecular consequence: missense variant.
Genome position (GRCh38, 1-based): chr15:40,185,335, C>G. VCF-style: chr15-40185335-C-G. GRCh37 (hg19) VCF-style: chr15-40477536-C-G.
Other names: short protein forms L308V.
Identifiers: ClinVar variation 654088 (VCV000654088.11), dbSNP rs781357180, ClinGen allele CA7475596.

ClinVar aggregate classification (germline): Uncertain significance (1 of 4 stars; one submission).

Conditions:
Mosaic variegated aneuploidy syndrome 1 (MVA1). Also called: Warburton-Anyane-Yeboa syndrome. Identifiers: Orphanet 1052, MedGen C1850343, MONDO:0009759, OMIM 257300.

Allele frequency attached by ClinVar (database versions not stated): ExAC 0.00001; gnomAD exomes 0.00001; gnomAD 0.00002; TOPMed 0.00002.
gnomAD v4.1: 17 of 1,614,082 alleles (0.0011%); highest among the groups gnomAD compares: Non-Finnish European, 0.0014%; no homozygotes.

Submissions (2):

Labcorp Genetics (formerly Invitae), Labcorp
Classification: Uncertain significance for Mosaic variegated aneuploidy syndrome 1. Last evaluated: 2025-06-03. Review status: criteria provided, single submitter. Criteria: Invitae Variant Classification Sherloc (09022015). Collection method: clinical testing. Allele origin: germline.
Comment: This sequence change replaces leucine, which is neutral and non-polar, with valine, which is neutral and non-polar, at codon 308 of the BUB1B protein (p.Leu308Val). This variant is present in population databases (rs781357180, gnomAD 0.002%). This variant has not been reported in the literature in individuals affected with BUB1B-related conditions. ClinVar contains an entry for this variant (Variation ID: 654088). An algorithm developed to predict the effect of missense changes on protein structure and function (PolyPhen-2) suggests that this variant is likely to be tolerated. In summary, the available evidence is currently insufficient to determine the role of this variant in disease. Therefore, it has been classified as a Variant of Uncertain Significance.

Dr. Peter K. Rogan Lab, Western University
No classification provided (evidence only). Condition: Lung cancer. Review status: no classification provided. Collection method: in vitro. Allele origin: not applicable. Functional consequence: retained intron. Not counted in ClinVar's aggregate classification.